The following is an entry in ClinVar:

NM_014669.5(NUP93):c.621C>G (p.Asp207Glu)

Gene: NUP93 (nucleoporin 93; plus strand). Cytogenetic location: 16q13.
Variant type: single nucleotide variant.
Coding change: c.621C>G on transcript NM_014669.5 (MANE Select); coding-DNA position 621, C replaced by G.
Protein change: p.Asp207Glu; replaces aspartic acid 207 with glutamic acid.
Molecular consequence: missense variant.
Genome position (GRCh38, 1-based): chr16:56,821,560, C>G. VCF-style: chr16-56821560-C-G. GRCh37 (hg19) VCF-style: chr16-56855472-C-G.
Other names: c.252C>G, p.Asp84Glu (NM_001242795.2, NM_001242796.2); short protein forms D84E, D207E.
Identifiers: ClinVar variation 829938 (VCV000829938.7), dbSNP rs140226964, ClinGen allele CA8068148.

ClinVar aggregate classification (germline): Uncertain significance. Review status: criteria provided, multiple submitters, no conflicts (2 of 4 stars). 4 submissions from 4 submitters: Uncertain significance (3). 1 of the submissions does not count toward it. Last evaluated 2025-05-07.

Conditions:
Nephrotic syndrome, type 12 (NPHS12). Identifiers: Orphanet 656, MedGen C4225166, MONDO:0014817, OMIM 616892.

Allele frequency attached by ClinVar (database versions not stated): TOPMed 0.00022; ExAC 0.00026; ESP Exome Variant Server 0.00038; gnomAD 0.00080.
gnomAD v4.1: 494 of 1,613,150 alleles (0.031%); highest among the groups gnomAD compares: Non-Finnish European, 0.029%; no homozygotes.

Submissions (4):

Labcorp Genetics (formerly Invitae), Labcorp
Classification: Uncertain significance. Last evaluated: 2025-05-07. Review status: criteria provided, single submitter. Criteria: Invitae Variant Classification Sherloc (09022015). Collection method: clinical testing. Allele origin: germline.
Comment: This sequence change replaces aspartic acid, which is acidic and polar, with glutamic acid, which is acidic and polar, at codon 207 of the NUP93 protein (p.Asp207Glu). This variant is present in population databases (rs140226964, gnomAD 0.2%). This variant has not been reported in the literature in individuals affected with NUP93-related conditions. ClinVar contains an entry for this variant (Variation ID: 829938). Invitae Evidence Modeling of protein sequence and biophysical properties (such as structural, functional, and spatial information, amino acid conservation, physicochemical variation, residue mobility, and thermodynamic stability) indicates that this missense variant is not expected to disrupt NUP93 protein function with a negative predictive value of 80%. In summary, the available evidence is currently insufficient to determine the role of this variant in disease. Therefore, it has been classified as a Variant of Uncertain Significance.

Blueprint Genetics
Classification: Uncertain significance. Last evaluated: 2024-11-27. Review status: criteria provided, single submitter. Criteria: ACMG Guidelines, 2015. Collection method: clinical testing. Allele origin: germline.

Fulgent Genetics
Classification: Uncertain significance for Nephrotic syndrome, type 12. Last evaluated: 2021-11-12. Review status: criteria provided, single submitter. Criteria: ACMG Guidelines, 2015. Collection method: clinical testing. Allele origin: unknown.

Bioscientia Institut fuer Medizinische Diagnostik GmbH, Sonic Healthcare
Classification: Uncertain significance for Nephrotic syndrome, type 12. Last evaluated: 2019-03-21. Review status: no assertion criteria provided. Collection method: clinical testing. Allele origin: germline. Affected: yes. Not counted in ClinVar's aggregate classification.